The following is an entry in ClinVar:

ClinVar aggregate classification (germline): Uncertain significance. Review status: criteria provided, multiple submitters, no conflicts (2 of 4 stars). 3 submissions from 3 submitters: Uncertain significance (3). Last evaluated 2025-11-04.

Conditions:
Birt-Hogg-Dube syndrome. Also called: Birt Hogg Dubé syndrome. Identifiers: Orphanet 122, MedGen C0346010, MONDO:0800444.
Birt-Hogg-Dube syndrome 1 (BHD1). Also called: FIBROFOLLICULOMAS WITH TRICHODISCOMAS AND ACROCHORDONS. Identifiers: Orphanet 122, MedGen CN375946, MONDO:0800445, OMIM 135150.
Hereditary cancer-predisposing syndrome. Also called: Neoplastic Syndromes, Hereditary; Hereditary Cancer Syndrome; Hereditary neoplastic syndrome; Tumor predisposition. Identifiers: Orphanet 140162, MedGen C0027672, MeSH D009386, MONDO:0015356.

Allele frequency attached by ClinVar (database versions not stated): gnomAD exomes below 0.00001.
gnomAD v4.1: 2 of 1,614,186 alleles (0.00012%); highest among the groups gnomAD compares: Non-Finnish European, 0.00017%; no homozygotes.

Submissions (3):

Ambry Genetics
Classification: Uncertain significance for Hereditary cancer-predisposing syndrome. Last evaluated: 2025-11-04. Review status: criteria provided, single submitter. Criteria: Ambry Variant Classification Scheme 2023. Collection method: clinical testing. Allele origin: germline.
Comment: The p.S459A variant (also known as c.1375T>G), located in coding exon 9 of the FLCN gene, results from a T to G substitution at nucleotide position 1375. The serine at codon 459 is replaced by alanine, an amino acid with similar properties. This amino acid position is well conserved in available vertebrate species. In addition, this alteration is predicted to be tolerated by in silico analysis. Based on the available evidence, the clinical significance of this variant remains unclear.

Labcorp Genetics (formerly Invitae), Labcorp
Classification: Uncertain significance for Birt-Hogg-Dube syndrome. Last evaluated: 2024-04-23. Review status: criteria provided, single submitter. Criteria: Invitae Variant Classification Sherloc (09022015). Collection method: clinical testing. Allele origin: germline.
Comment: This sequence change replaces serine, which is neutral and polar, with alanine, which is neutral and non-polar, at codon 459 of the FLCN protein (p.Ser459Ala). This variant is present in population databases (no rsID available, gnomAD 0.0009%). This variant has not been reported in the literature in individuals affected with FLCN-related conditions. ClinVar contains an entry for this variant (Variation ID: 645939). Advanced modeling of protein sequence and biophysical properties (such as structural, functional, and spatial information, amino acid conservation, physicochemical variation, residue mobility, and thermodynamic stability) performed at Invitae indicates that this missense variant is not expected to disrupt FLCN protein function with a negative predictive value of 80%. In summary, the available evidence is currently insufficient to determine the role of this variant in disease. Therefore, it has been classified as a Variant of Uncertain Significance.

Baylor Genetics
Classification: Uncertain significance for Birt-Hogg-Dube syndrome 1. Last evaluated: 2024-03-07. Review status: criteria provided, single submitter. Criteria: ACMG Guidelines, 2015. Collection method: clinical testing. Allele origin: unknown.

NM_144997.7(FLCN):c.1375T>G (p.Ser459Ala)

Gene: FLCN (folliculin; minus strand). Cytogenetic location: 17p11.2.
Variant type: single nucleotide variant.
Coding change: c.1375T>G on transcript NM_144997.7 (MANE Select); coding-DNA position 1375, T replaced by G.
Protein change: p.Ser459Ala; replaces serine 459 with alanine.
Molecular consequence: missense variant.
Genome position (GRCh38, 1-based): chr17:17,215,242, A>C on the plus strand (T>G on the coding strand, the complement: FLCN is on the minus strand). VCF-style: chr17-17215242-A-C. GRCh37 (hg19) VCF-style: chr17-17118556-A-C.
Other names: c.1375T>G (LRG_325t1); c.1429T>G, p.Ser477Ala (NM_001353229.2); c.1375T>G, p.Ser459Ala (NM_001353230.2, NM_001353231.2); short protein forms S477A, S459A.
Identifiers: ClinVar variation 645939 (VCV000645939.7), dbSNP rs1229110607, ClinGen allele CA398531292.